The following is an entry in ClinVar:

ClinVar aggregate classification (germline): Uncertain significance. Review status: criteria provided, multiple submitters, no conflicts (2 of 4 stars). 3 submissions from 3 submitters: Uncertain significance (3). Last evaluated 2024-03-25.

Conditions:
Inborn genetic diseases. Identifiers: MedGen C0950123, MeSH D030342.
Cortical dysplasia-focal epilepsy syndrome (PTHSL1). Also called: Pitt-Hopkins-like syndrome 1. Identifiers: Orphanet 163681, Orphanet 221150, MedGen C2750246, MONDO:0012400, OMIM 610042.

Allele frequency attached by ClinVar (database versions not stated): gnomAD exomes below 0.00001; gnomAD 0.00001; TOPMed 0.00002.
gnomAD v4.1: 10 of 1,613,990 alleles (0.00062%); highest among the groups gnomAD compares: Non-Finnish European, 0.00085%; no homozygotes.

Submissions (3):

Ambry Genetics
Classification: Uncertain significance for Inborn genetic diseases. Last evaluated: 2024-03-25. Review status: criteria provided, single submitter. Criteria: Ambry Variant Classification Scheme 2023. Collection method: clinical testing. Allele origin: germline.

Labcorp Genetics (formerly Invitae), Labcorp
Classification: Uncertain significance for Cortical dysplasia-focal epilepsy syndrome. Last evaluated: 2022-07-19. Review status: criteria provided, single submitter. Criteria: Invitae Variant Classification Sherloc (09022015). Collection method: clinical testing. Allele origin: germline.
Comment: This sequence change replaces serine, which is neutral and polar, with asparagine, which is neutral and polar, at codon 785 of the CNTNAP2 protein (p.Ser785Asn). This variant is not present in population databases (gnomAD no frequency). This variant has not been reported in the literature in individuals affected with CNTNAP2-related conditions. ClinVar contains an entry for this variant (Variation ID: 1320851). Algorithms developed to predict the effect of missense changes on protein structure and function are either unavailable or do not agree on the potential impact of this missense change (SIFT: "Deleterious"; PolyPhen-2: "Benign"; Align-GVGD: "Class C0"). In summary, the available evidence is currently insufficient to determine the role of this variant in disease. Therefore, it has been classified as a Variant of Uncertain Significance.

GeneDx
Classification: Uncertain significance. Last evaluated: 2021-01-04. Review status: criteria provided, single submitter. Criteria: GeneDx Variant Classification Process June 2021. Collection method: clinical testing. Allele origin: germline. Affected: yes.
Comment: Not observed at a significant frequency in large population cohorts (Lek et al., 2016); In silico analysis supports that this missense variant does not alter protein structure/function; Has not been previously published as pathogenic or benign to our knowledge

NM_014141.6(CNTNAP2):c.2354G>A (p.Ser785Asn)

Gene: CNTNAP2 (contactin associated protein 2; plus strand). Cytogenetic location: 7q35.
Variant type: single nucleotide variant.
Coding change: c.2354G>A on transcript NM_014141.6 (MANE Select); coding-DNA position 2354, G replaced by A.
Protein change: p.Ser785Asn; replaces serine 785 with asparagine.
Molecular consequence: missense variant.
Genome position (GRCh38, 1-based): chr7:147,977,960, G>A. VCF-style: chr7-147977960-G-A. GRCh37 (hg19) VCF-style: chr7-147675052-G-A.
Other names: short protein forms S785N.
Identifiers: ClinVar variation 1320851 (VCV001320851.4), dbSNP rs1275452667, ClinGen allele CA369927759.